The following is an entry in ClinVar:

ClinVar aggregate classification (germline): Uncertain significance (1 of 4 stars; one submission).

Conditions:
Deficiency of acetyl-CoA acetyltransferase. Also called: 3-KETOTHIOLASE DEFICIENCY; 3-OXOTHIOLASE DEFICIENCY; Beta-ketothiolase deficiency; MITOCHONDRIAL ACETOACETYL-CoA THIOLASE DEFICIENCY. Identifiers: Orphanet 134, MedGen C1536500, MONDO:0008760, OMIM 203750. Disease mechanism: loss of function.

Allele frequency attached by ClinVar (database versions not stated): TOPMed below 0.00001; gnomAD 0.00001; 1000 Genomes Project 30x 0.00016; 1000 Genomes Project 0.00020.
gnomAD v4.1: 6 of 1,549,844 alleles (0.00039%); highest among the groups gnomAD compares: South Asian, 0.0036%; no homozygotes.

Submission:

Labcorp Genetics (formerly Invitae), Labcorp
Classification: Uncertain significance for Deficiency of acetyl-CoA acetyltransferase. Last evaluated: 2021-12-20. Review status: criteria provided, single submitter. Criteria: Invitae Variant Classification Sherloc (09022015). Collection method: clinical testing. Allele origin: germline.
Comment: This sequence change replaces proline, which is neutral and non-polar, with serine, which is neutral and polar, at codon 17 of the ACAT1 protein (p.Pro17Ser). This variant is not present in population databases (gnomAD no frequency). This variant has not been reported in the literature in individuals affected with ACAT1-related conditions. Advanced modeling of protein sequence and biophysical properties (such as structural, functional, and spatial information, amino acid conservation, physicochemical variation, residue mobility, and thermodynamic stability) performed at Invitae indicates that this missense variant is not expected to disrupt ACAT1 protein function. In summary, the available evidence is currently insufficient to determine the role of this variant in disease. Therefore, it has been classified as a Variant of Uncertain Significance.

NM_000019.4(ACAT1):c.49C>T (p.Pro17Ser)

Gene: ACAT1 (acetyl-CoA acetyltransferase 1; plus strand). Cytogenetic location: 11q22.3.
Variant type: single nucleotide variant.
Coding change: c.49C>T on transcript NM_000019.4 (MANE Select); coding-DNA position 49, C replaced by T.
Protein change: p.Pro17Ser; replaces proline 17 with serine.
Molecular consequence: missense variant. On other transcripts: 5 prime UTR variant (3), non-coding transcript variant (2), intron variant (2).
Genome position (GRCh38, 1-based): chr11:108,121,655, C>T. VCF-style: chr11-108121655-C-T. GRCh37 (hg19) VCF-style: chr11-107992382-C-T.
Other names: c.49C>T, p.Pro17Ser (NM_001386677.1, NM_001386678.1); c.-229C>T (NM_001386679.1); c.-316C>T (NM_001386685.1); c.-321C>T (NM_001386686.1); c.-416+4753C>T (NM_001386682.1); c.-199+4753C>T (NM_001386681.1); short protein forms P17S.
Identifiers: ClinVar variation 1933446 (VCV001933446.2), dbSNP rs573208198, ClinGen allele CA228390238.